The following is an entry in ClinVar:

NM_007144.3(PCGF2):c.316+1G>T

Gene: PCGF2 (polycomb group ring finger 2; minus strand). Cytogenetic location: 17q12.
Variant type: single nucleotide variant.
Coding change: c.316+1G>T on transcript NM_007144.3 (MANE Select); the canonical splice donor site of the intron after coding-DNA position 316, G replaced by T.
Molecular consequence: splice donor variant.
Genome position (GRCh38, 1-based): chr17:38,739,067, C>A on the plus strand (G>T on the coding strand, the complement: PCGF2 is on the minus strand). VCF-style: chr17-38739067-C-A. GRCh37 (hg19) VCF-style: chr17-36895320-C-A.
Other names: c.316+1G>T (NM_001369614.1, NM_001369615.1).
Identifiers: ClinVar variation 3392973 (VCV003392973.1).
Genomic context (GRCh38, chr17:38,739,067, plus strand): 5'-TACACACCTACATGGTCCCAGGCAAGACTGTGCACACACAAACAGACGCGAGCACACTCA[C>A]CCTCCGTCAGGGGGTACGCTGCATAGAAATCCCGCCGCCGTTTCATCTCATCTGGAAGAA-3'

ClinVar aggregate classification (germline): Uncertain significance (1 of 4 stars; one submission).

Submission:

GeneDx
Classification: Uncertain significance. Last evaluated: 2024-06-28. Review status: criteria provided, single submitter. Criteria: GeneDx Variant Classification Process June 2021. Collection method: clinical testing. Allele origin: germline. Affected: yes.
Comment: Not observed at significant frequency in large population cohorts (gnomAD); Has not been previously published as pathogenic or benign to our knowledge; Canonical splice site variant in a gene for which loss-of-function is not an established mechanism of disease